The following is an entry in ClinVar:

ClinVar aggregate classification (germline): Pathogenic (1 of 4 stars; one submission).

Conditions:
X-linked myopathy with postural muscle atrophy. Also called: FHL1-Related Emery-Dreifuss Muscular Dystrophy, X-Linked. Identifiers: Orphanet 178461, MedGen C2678055, MONDO:0010401, OMIM 300696.

Submission:

Labcorp Genetics (formerly Invitae), Labcorp
Classification: Pathogenic for X-linked myopathy with postural muscle atrophy. Last evaluated: 2021-09-06. Review status: criteria provided, single submitter. Criteria: Invitae Variant Classification Sherloc (09022015). Collection method: clinical testing. Allele origin: germline.
Comment: This sequence change replaces histidine with glutamine at codon 123 of the FHL1 protein (p.His123Gln). The histidine residue is highly conserved and there is a small physicochemical difference between histidine and glutamine. This variant is not present in population databases (ExAC no frequency). This variant has been observed in individual(s) with reducing body myopathy (PMID: 19181672). In at least one individual the variant was observed to be de novo. Algorithms developed to predict the effect of missense changes on protein structure and function are either unavailable or do not agree on the potential impact of this missense change (SIFT: "Deleterious"; PolyPhen-2: "Probably Damaging"; Align-GVGD: "Class C15"). This variant disrupts the p.His123 amino acid residue in FHL1. Other variant(s) that disrupt this residue have been determined to be pathogenic (PMID: 22094483, 31204143; Invitae). This suggests that this residue is clinically significant, and that variants that disrupt this residue are likely to be disease-causing. For these reasons, this variant has been classified as Pathogenic.

Literature cited by the submitters: PubMed 19181672; PubMed 22094483; PubMed 31204143.

NM_001159699.2(FHL1):c.417C>A (p.His139Gln)

Gene: FHL1 (four and a half LIM domains 1; plus strand). Cytogenetic location: Xq26.3.
Variant type: single nucleotide variant.
Coding change: c.417C>A on transcript NM_001159699.2 (MANE Select); coding-DNA position 417, C replaced by A.
Protein change: p.His139Gln; replaces histidine 139 with glutamine.
Molecular consequence: missense variant. On other transcripts: non-coding transcript variant (1).
Genome position (GRCh38, 1-based): chrX:136,207,829, C>A. VCF-style: chrX-136207829-C-A. GRCh37 (hg19) VCF-style: chrX-135289988-C-A.
Other names: c.369C>A, p.His123Gln (NM_001369331.1, NM_001449.5, NM_001159700.2 and 9 more transcripts); c.456C>A, p.His152Gln (NM_001159701.2); c.417C>A, p.His139Gln (NM_001330659.2); short protein forms H123Q, H139Q, H152Q.
Identifiers: ClinVar variation 1392309 (VCV001392309.6), dbSNP rs267606813, ClinGen allele CA414608364.